The following is an entry in ClinVar:

NM_002471.4(MYH6):c.1639A>G (p.Met547Val)

Gene: MYH6 (myosin heavy chain 6; minus strand). Cytogenetic location: 14q11.2.
Variant type: single nucleotide variant.
Coding change: c.1639A>G on transcript NM_002471.4 (MANE Select); coding-DNA position 1639, A replaced by G.
Protein change: p.Met547Val; replaces methionine 547 with valine.
Molecular consequence: missense variant.
Genome position (GRCh38, 1-based): chr14:23,398,980, T>C on the plus strand (A>G on the coding strand, the complement: MYH6 is on the minus strand). VCF-style: chr14-23398980-T-C. GRCh37 (hg19) VCF-style: chr14-23868189-T-C.
Other names: short protein forms M547V.
Identifiers: ClinVar variation 1314760 (VCV001314760.14), dbSNP rs760722098, ClinGen allele CA7115731.

ClinVar aggregate classification (germline): Uncertain significance. Review status: criteria provided, multiple submitters, no conflicts (2 of 4 stars). 4 submissions from 4 submitters: Uncertain significance (4). Last evaluated 2026-07-20.

Conditions:
Hypertrophic cardiomyopathy 14. Identifiers: MedGen C2750467, MONDO:0013197, OMIM 613251.
Cardiovascular phenotype. Identifiers: MedGen CN230736.
Hypertrophic cardiomyopathy 1 (CMH1). Also called: Familial hypertrophic cardiomyopathy 1; MYH7-Related Familial Hypertrophic Cardiomyopathy. Identifiers: MedGen C3495498, MONDO:0008647, OMIM 192600.
Atrial septal defect 3 (ASD3). Identifiers: Orphanet 1478, MedGen C3279790, MONDO:0013567, OMIM 614089.
Dilated cardiomyopathy 1EE (CMD1EE). Identifiers: Orphanet 154, MedGen C2750466, MONDO:0013198, OMIM 613252.
Sick sinus syndrome 3, susceptibility to (SSS3). Identifiers: Orphanet 166282, MedGen C3279791, MONDO:0013568, OMIM 614090.

Allele frequency attached by ClinVar (database versions not stated): gnomAD exomes 0.00001 and 0.00002; gnomAD 0.00005 and 0.00004; TOPMed 0.00008; ExAC 0.00002.
gnomAD v4.1: 17 of 1,614,102 alleles (0.0011%); highest among the groups gnomAD compares: African/African-American, 0.017%; no homozygotes.

Submissions (4):

GeneDx
Classification: Uncertain significance. Last evaluated: 2026-07-20. Review status: criteria provided, single submitter. Criteria: GeneDx Variant Classification Process June 2021. Collection method: clinical testing. Allele origin: germline.
Comment: Has not been previously published as pathogenic or benign to our knowledge; In silico analysis suggests that this missense variant does not alter protein structure/function

Ambry Genetics
Classification: Uncertain significance for Cardiovascular phenotype. Last evaluated: 2025-08-10. Review status: criteria provided, single submitter. Criteria: Ambry Variant Classification Scheme 2023. Collection method: clinical testing. Allele origin: germline.

Labcorp Genetics (formerly Invitae), Labcorp
Classification: Uncertain significance for Hypertrophic cardiomyopathy 14. Last evaluated: 2025-07-27. Review status: criteria provided, single submitter. Criteria: Invitae Variant Classification Sherloc (09022015). Collection method: clinical testing. Allele origin: germline.
Comment: This sequence change replaces methionine, which is neutral and non-polar, with valine, which is neutral and non-polar, at codon 547 of the MYH6 protein (p.Met547Val). This variant is present in population databases (rs760722098, gnomAD 0.03%). This variant has not been reported in the literature in individuals affected with MYH6-related conditions. ClinVar contains an entry for this variant (Variation ID: 1314760). Invitae Evidence Modeling of protein sequence and biophysical properties (such as structural, functional, and spatial information, amino acid conservation, physicochemical variation, residue mobility, and thermodynamic stability) indicates that this missense variant is not expected to disrupt MYH6 protein function with a negative predictive value of 80%. In summary, the available evidence is currently insufficient to determine the role of this variant in disease. Therefore, it has been classified as a Variant of Uncertain Significance.

Fulgent Genetics
Classification: Uncertain significance for Hypertrophic cardiomyopathy 1; Hypertrophic cardiomyopathy 14; Dilated cardiomyopathy 1EE; Atrial septal defect 3; Sick sinus syndrome 3, susceptibility to. Last evaluated: 2021-09-01. Review status: criteria provided, single submitter. Criteria: ACMG Guidelines, 2015. Collection method: clinical testing. Allele origin: unknown.